The following is an entry in ClinVar:

ClinVar aggregate classification (germline): Likely benign (1 of 4 stars; one submission).

Conditions:
ADAMTSL2-related disorder. Also called: ADAMTSL2-related condition.

gnomAD v4.1: 5 of 1,613,768 alleles (0.00031%); highest among the groups gnomAD compares: East Asian, 0.0045%; no homozygotes.

Submission:

PreventionGenetics, part of Exact Sciences
Classification: Likely benign for ADAMTSL2-related condition. Last evaluated: 2025-03-13. Review status: criteria provided, single submitter. Criteria: ACMG Guidelines, 2015. Collection method: clinical testing. Allele origin: germline.
Comment: This variant is classified as likely benign based on ACMG/AMP sequence variant interpretation guidelines (Richards et al. 2015 PMID: 25741868, with internal and published modifications).

NM_014694.4(ADAMTSL2):c.771A>G (p.Ala257=)

Gene: ADAMTSL2 (ADAMTS like 2; plus strand). Cytogenetic location: 9q34.2.
Variant type: single nucleotide variant.
Coding change: c.771A>G on transcript NM_014694.4 (MANE Select); coding-DNA position 771, A replaced by G.
Protein change: p.Ala257=; no amino-acid change (alanine 257 retained).
Molecular consequence: synonymous variant.
Genome position (GRCh38, 1-based): chr9:133,547,045, A>G. VCF-style: chr9-133547045-A-G. GRCh37 (hg19) VCF-style: chr9-136412167-A-G.
Other names: c.771A>G, p.Ala257= (NM_001145320.2).
Identifiers: ClinVar variation 4990128 (VCV004990128.1).
Genomic context (GRCh38, chr9:133,547,045, plus strand): 5'-GCTCCTCCCCCAGCCAGTTTGGCCTTTTGTGACCGGCGGCTTTGCCCTTCCAGCTCTTGC[A>G]GACGAAGCTGGCTACTACTTCTTCAACGGCAACTACAAGGTGGACAGCCCCAAGAACTTC-3'
Protein context (NP_055509.2, residues 247-267): RKKSADVLAL[Ala257=]DEAGYYFFNG